The following is an entry in ClinVar:

NM_002439.5(MSH3):c.1758dup (p.Leu587fs)

Gene: MSH3 (mutS homolog 3; plus strand). Cytogenetic location: 5q14.1.
Variant type: Duplication.
Coding change: c.1758dup on transcript NM_002439.5 (MANE Select); coding-DNA position 1758, one base duplicated (A; older notation c.1758dupA).
Protein change: p.Leu587fs; shifts the reading frame from leucine 587.
Molecular consequence: frameshift variant.
Genome position (GRCh38, 1-based): chr5:80,744,610, A duplicated; the last of 3 consecutive A bases (chr5:80,744,608-80,744,610); duplicating any one gives the same sequence. VCF-style (leftmost placement, unchanged base first): chr5-80744607-T-TA. GRCh37 (hg19) VCF-style: chr5-80040426-T-TA.
Other names: short protein forms L587fs.
Identifiers: ClinVar variation 3874965 (VCV003874965.1).
Genomic context (GRCh38, chr5:80,744,607, plus strand): 5'-CCACACTAAAACTTCATTTGGGAGACGGAAGTTAAAGAAGTGGGTGACCCAGCCACTCCT[T>TA]AAATTAAGGTAAAAGGAATTCTTTTTGGGGTGTTTAATCTGAAATTATAAAATTTTGAAA-3'

ClinVar aggregate classification (germline): Pathogenic (1 of 4 stars; one submission).

Conditions:
Hereditary cancer-predisposing syndrome. Also called: Tumor predisposition; Neoplastic Syndromes, Hereditary; Hereditary Cancer Syndrome; Hereditary neoplastic syndrome. Identifiers: Orphanet 140162, MedGen C0027672, MeSH D009386, MONDO:0015356.

Submission:

Ambry Genetics
Classification: Pathogenic for Hereditary cancer-predisposing syndrome. Last evaluated: 2025-01-19. Review status: criteria provided, single submitter. Criteria: Ambry Variant Classification Scheme 2023. Collection method: clinical testing. Allele origin: germline.
Comment: The c.1758dupA pathogenic mutation, located in coding exon 12 of the MSH3 gene, results from a duplication of A at nucleotide position 1758, causing a translational frameshift with a predicted alternate stop codon (p.L587Ifs*9). This alteration is expected to result in loss of function by premature protein truncation or nonsense-mediated mRNA decay. This variant is considered to be rare based on population cohorts in the Genome Aggregation Database (gnomAD). As such, this alteration is interpreted as a disease-causing mutation.